The following is an entry in ClinVar:

ClinVar aggregate classification (germline): Likely benign. Review status: criteria provided, multiple submitters, no conflicts (2 of 4 stars). 2 submissions from 2 submitters: Likely benign (2). Last evaluated 2026-08-31.

Conditions:
DST-related disorder. Also called: DST-related condition; DST-related disorders.
Epidermolysis bullosa simplex 3, localized or generalized intermediate, with BP230 deficiency (EBS3). Also called: Epidermolysis bullosa simplex, autosomal recessive 2; Epidermolysis bullosa simplex due to BP230 deficiency. Identifiers: Orphanet 412181, MedGen C3809470, MONDO:0014180, OMIM 615425.
Hereditary sensory and autonomic neuropathy type 6. Also called: Neuropathy, hereditary sensory and autonomic, type VI; HSAN VI. Identifiers: Orphanet 314381, MedGen C3539003, MONDO:0013839, OMIM 614653.

Allele frequency attached by ClinVar (database versions not stated): gnomAD exomes 0.00010 and 0.00003; ExAC 0.00020; gnomAD 0.00003 and 0.00004; TOPMed 0.00004.
gnomAD v4.1: 54 of 1,607,194 alleles (0.0034%); highest among the groups gnomAD compares: Non-Finnish European, 0.0032%; no homozygotes.

Submissions (2):

PreventionGenetics, part of Exact Sciences
Classification: Likely benign for DST-related condition. Last evaluated: 2026-08-31. Review status: criteria provided, single submitter. Criteria: ACMG Guidelines, 2015. Collection method: clinical testing. Allele origin: germline.
Comment: This variant is classified as likely benign based on ACMG/AMP sequence variant interpretation guidelines (Richards et al. 2015 PMID: 25741868, with internal and published modifications).

Labcorp Genetics (formerly Invitae), Labcorp
Classification: Likely benign for Epidermolysis bullosa simplex 3, localized or generalized intermediate, with BP230 deficiency; Hereditary sensory and autonomic neuropathy type 6. Last evaluated: 2025-01-29. Review status: criteria provided, single submitter. Criteria: Invitae Variant Classification Sherloc (09022015). Collection method: clinical testing. Allele origin: germline.

NM_001374736.1(DST):c.3806-7T>G

Gene: DST (dystonin; minus strand). Cytogenetic location: 6p12.1.
Variant type: single nucleotide variant.
Coding change: c.3806-7T>G on transcript NM_001374736.1 (MANE Select); 7 bases into the intron before coding-DNA position 3806, T replaced by G.
Molecular consequence: intron variant.
Genome position (GRCh38, 1-based): chr6:56,632,047, A>C on the plus strand (T>G on the coding strand, the complement: DST is on the minus strand). VCF-style: chr6-56632047-A-C. GRCh37 (hg19) VCF-style: chr6-56496845-A-C.
Other names: c.2195-7T>G (NM_001723.5, NM_015548.5, NM_001723.7); c.3707-7T>G (NM_001144769.5); c.3806-7T>G (NM_001374722.1); c.3833-7T>G (NM_001374734.1); c.3293-7T>G (NM_001144770.2); c.3173-7T>G (NM_001374730.1, NM_001386100.1, NM_183380.4 and 1 more transcripts).
Identifiers: ClinVar variation 1114754 (VCV001114754.10), dbSNP rs747520369, ClinGen allele CA3871051.
Genomic context (GRCh38, chr6:56,632,047, plus strand): 5'-TAATGTTTCGAACTTCAGAGATGTAGAGATTATAAACTGATTCCTCTTGCTCCTCTGTGA[A>C]AATAAATATGTTTAGAAAATACCTTGTTTTCTATCTCTTAGAAGCTTCTGTTTATGTTTT-3'